The following is an entry in ClinVar:

ClinVar aggregate classification (germline): Uncertain significance (1 of 4 stars; one submission).

Conditions:
Cardiovascular phenotype. Identifiers: MedGen CN230736.

Allele frequency attached by ClinVar (database versions not stated): gnomAD exomes below 0.00001; ExAC 0.00001.

Submission:

Ambry Genetics
Classification: Uncertain significance for Cardiovascular phenotype. Last evaluated: 2023-11-27. Review status: criteria provided, single submitter. Criteria: Ambry Variant Classification Scheme 2023. Collection method: clinical testing. Allele origin: germline.
Comment: The p.A573T variant (also known as c.1717G>A), located in coding exon 25 of the COL1A1 gene, results from a G to A substitution at nucleotide position 1717. The alanine at codon 573 is replaced by threonine, an amino acid with similar properties. This amino acid position is not well conserved in available vertebrate species. In addition, the in silico prediction for this alteration is inconclusive. Since supporting evidence is limited at this time, the clinical significance of this alteration remains unclear.

NM_000088.4(COL1A1):c.1717G>A (p.Ala573Thr)

Gene: COL1A1 (collagen type I alpha 1 chain; minus strand). Cytogenetic location: 17q21.33.
Variant type: single nucleotide variant.
Coding change: c.1717G>A on transcript NM_000088.4 (MANE Select); coding-DNA position 1717, G replaced by A.
Protein change: p.Ala573Thr; replaces alanine 573 with threonine.
Molecular consequence: missense variant.
Genome position (GRCh38, 1-based): chr17:50,193,993, C>T on the plus strand (G>A on the coding strand, the complement: COL1A1 is on the minus strand). VCF-style: chr17-50193993-C-T. GRCh37 (hg19) VCF-style: chr17-48271354-C-T.
Other names: short protein forms A573T.
Identifiers: ClinVar variation 3230265 (VCV003230265.1), dbSNP rs753501091, ClinGen allele CA8645131.
Genomic context (GRCh38, chr17:50,193,993, plus strand): 5'-TAATACTCACAGCAGCACCTTTAGGTCCAGGGAATCCCATCACACCAGCCTGACCACGGG[C>T]ACCAGGTGGGCCTGGGGGTCCGGGGCGACCATCTTGACCGGCGGGACCCTAAGGATGGGA-3'
Protein context (NP_000079.2, residues 563-583): GRPGPPGPPG[Ala573Thr]RGQAGVMGFP